The following is an entry in ClinVar:

ClinVar aggregate classification (germline): Conflicting classifications of pathogenicity. Review status: criteria provided, conflicting classifications (1 of 4 stars). 7 submissions from 7 submitters: Uncertain significance (2); Likely benign (3). 2 of the submissions do not count toward it. Last evaluated 2026-04-27.

Conditions:
NEB-related disorder. Also called: NEB-related condition; NEB-Related Disorders.
Nemaline myopathy 2 (NEM2). Also called: Nemaline myopathy 2, autosomal recessive. Identifiers: MedGen C1850569, MONDO:0009725, OMIM 256030.

Allele frequency attached by ClinVar (database versions not stated): 1000 Genomes Project 30x 0.00016; 1000 Genomes Project 0.00020; ESP Exome Variant Server 0.00040; gnomAD exomes 0.00006 and 0.00011; ExAC 0.00012; gnomAD 0.00047 and 0.00051; TOPMed 0.00057.
gnomAD v4.1: 167 of 1,613,908 alleles (0.01%); highest among the groups gnomAD compares: African/African-American, 0.2%; no homozygotes.

Submissions (7):

Women's Health and Genetics/Laboratory Corporation of America, LabCorp
Classification: Likely benign. Last evaluated: 2026-04-27. Review status: criteria provided, single submitter. Criteria: LabCorp Variant Classification Summary - May 2015. Collection method: clinical testing. Allele origin: germline.

Labcorp Genetics (formerly Invitae), Labcorp
Classification: Likely benign for Nemaline myopathy 2. Last evaluated: 2026-01-04. Review status: criteria provided, single submitter. Criteria: Invitae Variant Classification Sherloc (09022015). Collection method: clinical testing. Allele origin: germline.

Revvity Omics, Revvity
Classification: Likely benign. Last evaluated: 2025-01-05. Review status: criteria provided, single submitter. Criteria: ACMG Guidelines, 2015. Collection method: clinical testing. Allele origin: germline.

GeneDx
Classification: Uncertain significance. Last evaluated: 2019-10-16. Review status: criteria provided, single submitter. Criteria: GeneDx Variant Classification Process June 2021. Collection method: clinical testing. Allele origin: germline. Affected: yes.
Comment: In silico analysis, which includes splice predictors and evolutionary conservation, supports that this variant does not alter protein structure/function; Has not been previously published as pathogenic or benign to our knowledge

Genetic Services Laboratory, University of Chicago
Classification: Uncertain significance. Last evaluated: 2016-06-08. Review status: criteria provided, single submitter. Criteria: ACMG Guidelines, 2015. Collection method: clinical testing. Allele origin: germline. Affected: no.

PreventionGenetics, part of Exact Sciences
Classification: Likely benign for NEB-related condition. Last evaluated: 2023-02-06. Review status: no assertion criteria provided. Collection method: clinical testing. Allele origin: germline. Not counted in ClinVar's aggregate classification.
Comment: This variant is classified as likely benign based on ACMG/AMP sequence variant interpretation guidelines (Richards et al. 2015 PMID: 25741868, with internal and published modifications).

Natera, Inc.
Classification: Uncertain significance for Nemaline myopathy type 2. Last evaluated: 2020-01-17. Review status: no assertion criteria provided. Collection method: clinical testing. Allele origin: germline. Not counted in ClinVar's aggregate classification.

NM_001164508.2(NEB):c.3468C>T (p.Val1156=)

Gene: NEB (nebulin; minus strand). Cytogenetic location: 2q23.3.
Variant type: single nucleotide variant.
Coding change: c.3468C>T on transcript NM_001164508.2 (MANE Select); coding-DNA position 3468, C replaced by T.
Protein change: p.Val1156=; no amino-acid change (valine 1156 retained).
Molecular consequence: synonymous variant.
Genome position (GRCh38, 1-based): chr2:151,677,975, G>A on the plus strand (C>T on the coding strand, the complement: NEB is on the minus strand). VCF-style: chr2-151677975-G-A. GRCh37 (hg19) VCF-style: chr2-152534489-G-A.
Other names: c.3468C>T, p.Val1156= (NM_001164507.2, NM_001271208.2, NM_004543.5).
Identifiers: ClinVar variation 435965 (VCV000435965.25), dbSNP rs373258662, ClinGen allele CA1910898.
Genomic context (GRCh38, chr2:151,677,975, plus strand): 5'-GTCCATGGCGTCAGGCAAGTAGGTGTAATGATGGAGAGAATGCTTATAGTTGACATTGCT[G>A]ACCACATCCTGGGCTTTCTTAGCCGCCACGACATTGAACATATCATGGGGCGTGTTGTAT-3'
Protein context (NP_001157980.2, residues 1146-1166): VVAAKKAQDV[Val1156=]SNVNYKHSLH